The following is an entry in ClinVar:

NM_003172.4(SURF1):c.11_27dup (p.Gly10fs)

Gene: SURF1 (SURF1 cytochrome c oxidase assembly factor; minus strand). Cytogenetic location: 9q34.2.
Variant type: Duplication.
Coding change: c.11_27dup on transcript NM_003172.4 (MANE Select); coding-DNA positions 11 to 27, 17 bases duplicated (TGGCTGCGTTGCAGCTG).
Protein change: p.Gly10fs; shifts the reading frame from glycine 10.
Molecular consequence: frameshift variant. On other transcripts: 5 prime UTR variant (1).
Genome position (GRCh38, 1-based): chr9:133,356,427-133,356,443, CAGCTGCAACGCAGCCA duplicated on the plus strand (TGGCTGCGTTGCAGCTG on the coding strand, the reverse complement: SURF1 is on the minus strand); duplicating any 17 consecutive bases within chr9:133,356,427-133,356,444 gives the same sequence; the c. name uses the placement nearest the transcript's 3' end. VCF-style (leftmost placement, unchanged base first): chr9-133356426-C-CCAGCTGCAACGCAGCCA. GRCh37 (hg19) VCF-style: chr9-136223302-C-CCAGCTGCAACGCAGCCA.
Other names: c.-265_-249dup (NM_001280787.1); short protein forms G10fs.
Identifiers: ClinVar variation 802530 (VCV000802530.10), dbSNP rs1588693841, ClinGen allele CA915947333.

ClinVar aggregate classification (germline): Pathogenic/Likely pathogenic. Review status: criteria provided, multiple submitters, no conflicts (2 of 4 stars). 4 submissions from 4 submitters: Pathogenic (2); Likely pathogenic (2). Last evaluated 2025-06-25.

Conditions:
Leigh syndrome (NULS). Also called: LEIGH SYNDROME, NUCLEAR; Leigh's necrotizing encephalopathy; Leigh's disease; Leigh Syndrome (mtDNA deletion); Leigh's syndrome; Leigh Disease. Identifiers: Orphanet 506, MedGen C2931891, MONDO:0009723, OMIM 256000.
Mitochondrial complex IV deficiency, nuclear type 1 (MC4DN1). Also called: COX DEFICIENCY; Mitochondrial complex IV deficiency; Complex 4 mitochondrial respiratory chain deficiency; Deficiency of mitochondrial respiratory chain complex4; Complex IV deficiency. Identifiers: MedGen C5435656, MONDO:0700250, OMIM 220110. Disease mechanism: loss of function.

Submissions (4):

Dasa
Classification: Likely pathogenic. Last evaluated: 2025-06-25. Review status: criteria provided, single submitter. Criteria: DASA Assertion Criteria. Collection method: clinical testing. Allele origin: germline.
Comment: NM_003172.4(SURF1):c.11_27dup (p.Gly10Trpfs*68) is a frameshift variant in SURF1 predicted to alter the reading frame and introduce a premature termination codon and is predicted to result in an absent or altered protein product. Loss of function is an established disease mechanism for SURF1-associated disorders. Also, this variant is rare in population databases. Based on the currently available evidence, this variant is classified as likely pathogenic.

Labcorp Genetics (formerly Invitae), Labcorp
Classification: Pathogenic for Leigh syndrome. Last evaluated: 2025-05-27. Review status: criteria provided, single submitter. Criteria: Invitae Variant Classification Sherloc (09022015). Collection method: clinical testing. Allele origin: germline.
Comment: This sequence change creates a premature translational stop signal (p.Gly10Trpfs*68) in the SURF1 gene. It is expected to result in an absent or disrupted protein product. Loss-of-function variants in SURF1 are known to be pathogenic (PMID: 10443880, 22488715, 24027061). This variant is not present in population databases (gnomAD no frequency). This variant has not been reported in the literature in individuals affected with SURF1-related conditions. ClinVar contains an entry for this variant (Variation ID: 802530). For these reasons, this variant has been classified as Pathogenic.

Service de Génétique Médicale, Centre Hospitalier Universitaire de Nice-Université Côte d'Azur
Classification: Likely pathogenic for Mitochondrial complex IV deficiency, nuclear type 1. Last evaluated: 2024-02-27. Review status: criteria provided, single submitter. Criteria: ACMG Guidelines, 2015. Collection method: clinical testing. Allele origin: germline. Affected: yes.

Mendelics
Classification: Pathogenic for Leigh syndrome. Last evaluated: 2019-05-28. Review status: criteria provided, single submitter. Criteria: Mendelics Assertion Criteria 2017. Collection method: clinical testing. Allele origin: unknown.

Literature cited by the submitters: PubMed 10443880 (cited by Labcorp Genetics (formerly Invitae), Labcorp); PubMed 22488715 (cited by Labcorp Genetics (formerly Invitae), Labcorp); PubMed 24027061 (cited by Labcorp Genetics (formerly Invitae), Labcorp); PubMed 38703036 (cited by Service de Génétique Médicale, Centre Hospitalier Universitaire de Nice-Université Côte d'Azur).